The following is an entry in ClinVar:

NM_030667.3(PTPRO):c.1268-5T>C

Gene: PTPRO (protein tyrosine phosphatase receptor type O; plus strand). Cytogenetic location: 12p12.3.
Variant type: single nucleotide variant.
Coding change: c.1268-5T>C on transcript NM_030667.3 (MANE Select); 5 bases into the intron before coding-DNA position 1268, T replaced by C.
Molecular consequence: intron variant.
Genome position (GRCh38, 1-based): chr12:15,508,566, T>C. VCF-style: chr12-15508566-T-C. GRCh37 (hg19) VCF-style: chr12-15661500-T-C.
Other names: c.1268-5T>C (NM_002848.4).
Identifiers: ClinVar variation 3940909 (VCV003940909.1).
Genomic context (GRCh38, chr12:15,508,566, plus strand): 5'-CAGAATCTTTTATCTCAATCAGTGTAACGTGCAGCCTCCCCTGTGTTCCAATTTGAAATG[T>C]GCAGGTCCTTCAGGAGAGTGGATTGAAGAACTGACCGAGAAGCCGCAGCACGTGAGTGTC-3'

ClinVar aggregate classification (germline): Uncertain significance (1 of 4 stars; one submission).

gnomAD v4.1: 9 of 1,613,704 alleles (0.00056%); highest among the groups gnomAD compares: East Asian, 0.0089%; no homozygotes.

Submission:

Ambry Genetics
Classification: Uncertain significance. Last evaluated: 2025-05-28. Review status: criteria provided, single submitter. Criteria: Ambry Variant Classification Scheme 2023. Collection method: clinical testing. Allele origin: germline.
Comment: Does not currently meet published gene-disease clinical validity criteria Based on insufficient or conflicting evidence, the clinical significance of this alteration remains unclear.

Literature cited by the submitters: PubMed 28106320.